The following is an entry in ClinVar:

NM_022114.4(PRDM16):c.2236G>A (p.Ala746Thr)

Gene: PRDM16 (PR/SET domain 16; plus strand). Cytogenetic location: 1p36.32.
Variant type: single nucleotide variant.
Coding change: c.2236G>A on transcript NM_022114.4 (MANE Select); coding-DNA position 2236, G replaced by A.
Protein change: p.Ala746Thr; replaces alanine 746 with threonine.
Molecular consequence: missense variant.
Genome position (GRCh38, 1-based): chr1:3,412,433, G>A. VCF-style: chr1-3412433-G-A. GRCh37 (hg19) VCF-style: chr1-3328997-G-A.
Other names: c.2236G>A, p.Ala746Thr (NM_199454.3); short protein forms A746T.
Identifiers: ClinVar variation 961745 (VCV000961745.16), dbSNP rs375259092, ClinGen allele CA544421.

ClinVar aggregate classification (germline): Uncertain significance. Review status: criteria provided, multiple submitters, no conflicts (2 of 4 stars). 3 submissions from 3 submitters: Uncertain significance (3). Last evaluated 2025-12-08.

Conditions:
Inborn genetic diseases. Identifiers: MedGen C0950123, MeSH D030342.
Left ventricular noncompaction 8 (LVNC8). Identifiers: Orphanet 154, Orphanet 54260, MedGen C3809288, MONDO:0014152, OMIM 615373.

Allele frequency attached by ClinVar (database versions not stated): TOPMed 0.00009; ESP Exome Variant Server 0.00016.
gnomAD v4.1: 41 of 1,612,004 alleles (0.0025%); highest among the groups gnomAD compares: African/African-American, 0.02%; 1 homozygote.

Submissions (3):

Labcorp Genetics (formerly Invitae), Labcorp
Classification: Uncertain significance for Left ventricular noncompaction 8. Last evaluated: 2025-12-08. Review status: criteria provided, single submitter. Criteria: Invitae Variant Classification Sherloc (09022015). Collection method: clinical testing. Allele origin: germline.
Comment: This sequence change replaces alanine, which is neutral and non-polar, with threonine, which is neutral and polar, at codon 746 of the PRDM16 protein (p.Ala746Thr). This variant is present in population databases (rs375259092, gnomAD 0.03%). This variant has not been reported in the literature in individuals affected with PRDM16-related conditions. ClinVar contains an entry for this variant (Variation ID: 961745). An algorithm developed to predict the effect of missense changes on protein structure and function outputs the following: PolyPhen-2: "Benign". The threonine amino acid residue is found in multiple mammalian species, which suggests that this missense change does not adversely affect protein function. In summary, the available evidence is currently insufficient to determine the role of this variant in disease. Therefore, it has been classified as a Variant of Uncertain Significance.

Ambry Genetics
Classification: Uncertain significance for Inborn genetic diseases. Last evaluated: 2025-09-28. Review status: criteria provided, single submitter. Criteria: Ambry Variant Classification Scheme 2023. Collection method: clinical testing. Allele origin: germline.

GeneDx
Classification: Uncertain significance. Last evaluated: 2024-01-23. Review status: criteria provided, single submitter. Criteria: GeneDx Variant Classification Process June 2021. Collection method: clinical testing. Allele origin: germline. Affected: yes.
Comment: Has not been previously published as pathogenic or benign to our knowledge; In silico analysis supports that this missense variant does not alter protein structure/function